The following is an entry in ClinVar:

NM_170675.5(MEIS2):c.507T>C (p.Asp169=)

Gene: MEIS2 (Meis homeobox 2; minus strand). Cytogenetic location: 15q14.
Variant type: single nucleotide variant.
Coding change: c.507T>C on transcript NM_170675.5 (MANE Select); coding-DNA position 507, T replaced by C.
Protein change: p.Asp169=; no amino-acid change (aspartic acid 169 retained).
Molecular consequence: synonymous variant. On other transcripts: non-coding transcript variant (1).
Genome position (GRCh38, 1-based): chr15:37,093,713, A>G on the plus strand (T>C on the coding strand, the complement: MEIS2 is on the minus strand). VCF-style: chr15-37093713-A-G. GRCh37 (hg19) VCF-style: chr15-37385914-A-G.
Other names: c.507T>C, p.Asp169= (NM_001220482.2, NM_170674.5, NM_170676.5 and 1 more transcripts); c.468T>C, p.Asp156= (NM_002399.4, NM_172315.3); c.243T>C, p.Asp81= (NM_172316.3).
Identifiers: ClinVar variation 532739 (VCV000532739.18), dbSNP rs139184400, ClinGen allele CA7469359.
Genomic context (GRCh38, chr15:37,093,713, plus strand): 5'-AATGACGAGGTCGATGGGCATTTTCCCCTTCAAACAGCTAATGTATCGGTGGCAGAAGTT[A>G]TCGCACAGTTCGTGGACCTAGAACGAAGGTCATGGTGGAGGGTTTAGCTCATGTTGTTGT-3'
Protein context (NP_733775.1, residues 159-179): LELEKVHELC[Asp169=]NFCHRYISCL

ClinVar aggregate classification (germline): Benign/Likely benign. Review status: criteria provided, multiple submitters, no conflicts (2 of 4 stars). 3 submissions from 3 submitters: Benign (1); Likely benign (1). 1 of the submissions does not count toward it. Last evaluated 2025-12-01.

Conditions:
MEIS2-related disorder.
Cardiac malformation, cleft lip/palate, microcephaly, and digital anomalies. Also called: CLEFT PALATE, CARDIAC DEFECTS, AND IMPAIRED INTELLECTUAL DEVELOPMENT. Identifiers: MedGen C1832950, MONDO:0010970, OMIM 600987.

Allele frequency attached by ClinVar (database versions not stated): gnomAD exomes 0.00011 and 0.00032; ExAC 0.00038; 1000 Genomes Project 30x 0.00109; 1000 Genomes Project 0.00120; gnomAD 0.00155 and 0.00168; TOPMed 0.00167; ESP Exome Variant Server 0.00185.
gnomAD v4.1: 409 of 1,614,182 alleles (0.025%); highest among the groups gnomAD compares: African/African-American, 0.48%; no homozygotes.

Submissions (3):

CeGaT Center for Human Genetics Tuebingen
Classification: Likely benign. Last evaluated: 2025-12-01. Review status: criteria provided, single submitter. Criteria: CeGaT Center For Human Genetics Tuebingen Variant Classification Criteria Version 2. Collection method: clinical testing. Allele origin: germline. Affected: yes. Observed: 1 variant allele.
Comment: MEIS2: BP4, BS2

Labcorp Genetics (formerly Invitae), Labcorp
Classification: Benign for Cardiac malformation, cleft lip/palate, microcephaly, and digital anomalies. Last evaluated: 2025-10-01. Review status: criteria provided, single submitter. Criteria: Invitae Variant Classification Sherloc (09022015). Collection method: clinical testing. Allele origin: germline.

PreventionGenetics, part of Exact Sciences
Classification: Benign for MEIS2-related condition. Last evaluated: 2019-07-15. Review status: no assertion criteria provided. Collection method: clinical testing. Allele origin: germline. Not counted in ClinVar's aggregate classification.
Comment: This variant is classified as benign based on ACMG/AMP sequence variant interpretation guidelines (Richards et al. 2015 PMID: 25741868, with internal and published modifications).